The following is an entry in ClinVar:

NC_000016.9:g.(?_57684200)_(57685554_?)dup

Gene: ADGRG1 (adhesion G protein-coupled receptor G1; plus strand). Cytogenetic location: 16q21.
Variant type: Duplication.
Identifiers: ClinVar variation 2425397 (VCV002425397.4).

ClinVar aggregate classification (germline): Uncertain significance (1 of 4 stars; one submission).

Submission:

Labcorp Genetics (formerly Invitae), Labcorp
Classification: Uncertain significance. Last evaluated: 2022-11-01. Review status: criteria provided, single submitter. Criteria: Invitae Variant Classification Sherloc (09022015). Collection method: clinical testing. Allele origin: germline.
Comment: In summary, the available evidence is currently insufficient to determine the role of this variant in disease. Therefore, it has been classified as a Variant of Uncertain Significance. Experimental studies and prediction algorithms are not available or were not evaluated, and the functional significance of this variant is currently unknown. This variant has not been reported in the literature in individuals affected with ADGRG1-related conditions. This variant results in a copy number gain of the genomic region encompassing exon(s) 3-4 of the ADGRG1 gene. This region includes the initiator codon of the gene. This copy number gain extends beyond the assayed region for this gene and therefore may encompass additional genes. As the precise location of this event is unknown, it may be in tandem or it may be located elsewhere in the genome.